The following is an entry in ClinVar:

ClinVar aggregate classification (germline): Uncertain significance (1 of 4 stars; one submission).

Allele frequency attached by ClinVar (database versions not stated): gnomAD exomes 0.00002; ExAC 0.00001; gnomAD 0.00002; TOPMed 0.00003.
gnomAD v4.1: 13 of 1,209,688 alleles (0.0011%); highest among the groups gnomAD compares: Admixed American, 0.013%; no homozygotes.

Submission:

Labcorp Genetics (formerly Invitae), Labcorp
Classification: Uncertain significance. Last evaluated: 2025-09-07. Review status: criteria provided, single submitter. Criteria: Invitae Variant Classification Sherloc (09022015). Collection method: clinical testing. Allele origin: germline.
Comment: This sequence change replaces threonine, which is neutral and polar, with alanine, which is neutral and non-polar, at codon 4 of the USP9X protein (p.Thr4Ala). This variant is present in population databases (rs775400408, gnomAD 0.03%), including at least one homozygous and/or hemizygous individual. This missense change has been observed in individual(s) with autism spectrum disorder (PMID: 33023636). ClinVar contains an entry for this variant (Variation ID: 2989071). An algorithm developed to predict the effect of missense changes on protein structure and function (PolyPhen-2) suggests that this variant is likely to be tolerated. In summary, the available evidence is currently insufficient to determine the role of this variant in disease. Therefore, it has been classified as a Variant of Uncertain Significance.

Literature cited by the submitters: PubMed 33023636.

NM_001039591.3(USP9X):c.10A>G (p.Thr4Ala)

Gene: USP9X (ubiquitin specific peptidase 9 X-linked; plus strand). Cytogenetic location: Xp11.4.
Variant type: single nucleotide variant.
Coding change: c.10A>G on transcript NM_001039591.3 (MANE Select); coding-DNA position 10, A replaced by G.
Protein change: p.Thr4Ala; replaces threonine 4 with alanine.
Molecular consequence: missense variant.
Genome position (GRCh38, 1-based): chrX:41,123,638, A>G. VCF-style: chrX-41123638-A-G. GRCh37 (hg19) VCF-style: chrX-40982891-A-G.
Other names: c.10A>G, p.Thr4Ala (NM_001039590.3, NM_001410748.1, NM_001410749.1); short protein forms T4A.
Identifiers: ClinVar variation 2989071 (VCV002989071.3), dbSNP rs775400408, ClinGen allele CA10388244.
Genomic context (GRCh38, chrX:41,123,638, plus strand): 5'-AAGACAACTACATAAGCAGACAAAATTGCAAAGATCTGCCCTGTGTCGAGTATGACAGCC[A>G]CGACTCGTGGCTCTCCGGTCGGAGGGAATGACAACCAGGGCCAGGCTCCTGATGGACAGT-3'
Protein context (NP_001034680.2, residues 1-14): MTA[Thr4Ala]TRGSPVGGND